The following is an entry in ClinVar:

NM_002454.3(MTRR):c.1216A>G (p.Ser406Gly)

Gene: MTRR (5-methyltetrahydrofolate-homocysteine methyltransferase reductase; plus strand). Cytogenetic location: 5p15.31.
Variant type: single nucleotide variant.
Coding change: c.1216A>G on transcript NM_002454.3 (MANE Select); coding-DNA position 1216, A replaced by G.
Protein change: p.Ser406Gly; replaces serine 406 with glycine.
Molecular consequence: missense variant. On other transcripts: non-coding transcript variant (14).
Genome position (GRCh38, 1-based): chr5:7,889,164, A>G. VCF-style: chr5-7889164-A-G. GRCh37 (hg19) VCF-style: chr5-7889277-A-G.
Other names: c.1216A>G, p.Ser406Gly (NM_001364440.2, NM_001364441.2, NM_001364442.2 and 1 more transcripts); short protein forms S406G.
Identifiers: ClinVar variation 1038960 (VCV001038960.8), dbSNP rs1239051004, ClinGen allele CA359158431.

ClinVar aggregate classification (germline): Uncertain significance (1 of 4 stars; one submission).

Conditions:
Methylcobalamin deficiency type cblE (HMAE). Also called: HOMOCYSTINURIA-MEGALOBLASTIC ANEMIA, cblE COMPLEMENTATION TYPE; HOMOCYSTINURIA-MEGALOBLASTIC ANEMIA, cblE TYPE; VITAMIN B12-RESPONSIVE HOMOCYSTINURIA, cblE TYPE. Identifiers: Orphanet 2169, Orphanet 622, MedGen C1856057, MONDO:0009354, OMIM 236270.

Allele frequency attached by ClinVar (database versions not stated): gnomAD exomes below 0.00001; TOPMed 0.00001; gnomAD 0.00002.
gnomAD v4.1: 8 of 1,614,030 alleles (0.0005%); highest among the groups gnomAD compares: African/African-American, 0.0067%; no homozygotes.

Submission:

Labcorp Genetics (formerly Invitae), Labcorp
Classification: Uncertain significance for Methylcobalamin deficiency type cblE. Last evaluated: 2022-10-24. Review status: criteria provided, single submitter. Criteria: Invitae Variant Classification Sherloc (09022015). Collection method: clinical testing. Allele origin: germline.
Comment: This sequence change replaces serine, which is neutral and polar, with glycine, which is neutral and non-polar, at codon 406 of the MTRR protein (p.Ser406Gly). This variant is present in population databases (no rsID available, gnomAD 0.02%). This variant has not been reported in the literature in individuals affected with MTRR-related conditions. ClinVar contains an entry for this variant (Variation ID: 1038960). Advanced modeling of protein sequence and biophysical properties (such as structural, functional, and spatial information, amino acid conservation, physicochemical variation, residue mobility, and thermodynamic stability) has been performed at Invitae for this missense variant, however the output from this modeling did not meet the statistical confidence thresholds required to predict the impact of this variant on MTRR protein function. In summary, the available evidence is currently insufficient to determine the role of this variant in disease. Therefore, it has been classified as a Variant of Uncertain Significance.